The following is an entry in ClinVar:

ClinVar aggregate classification (germline): Uncertain significance (1 of 4 stars; one submission).

Conditions:
Inborn genetic diseases. Identifiers: MedGen C0950123, MeSH D030342.

Submission:

Ambry Genetics
Classification: Uncertain significance for Inborn genetic diseases. Last evaluated: 2026-08-29. Review status: criteria provided, single submitter. Criteria: Ambry Variant Classification Scheme 2023. Collection method: clinical testing. Allele origin: germline.
Comment: The p.S665I variant (also known as c.1994G>T), located in coding exon 13 of the ASXL1 gene, results from a G to T substitution at nucleotide position 1994. The serine at codon 665 is replaced by isoleucine, an amino acid with dissimilar properties. This amino acid position is conserved. In addition, this alteration is predicted to be tolerated by in silico analysis. Based on the available evidence, the clinical significance of this variant remains unclear.

NM_015338.6(ASXL1):c.1994G>T (p.Ser665Ile)

Gene: ASXL1 (ASXL transcriptional regulator 1; plus strand). Cytogenetic location: 20q11.21.
Variant type: single nucleotide variant.
Coding change: c.1994G>T on transcript NM_015338.6 (MANE Select); coding-DNA position 1994, G replaced by T.
Protein change: p.Ser665Ile; replaces serine 665 with isoleucine.
Molecular consequence: missense variant.
Genome position (GRCh38, 1-based): chr20:32,434,706, G>T. VCF-style: chr20-32434706-G-T. GRCh37 (hg19) VCF-style: chr20-31022509-G-T.
Other names: c.1811G>T, p.Ser604Ile (NM_001363734.1); short protein forms S604I, S665I.
Identifiers: ClinVar variation 5030454 (VCV005030454.1).